The following is an entry in ClinVar:

ClinVar aggregate classification (germline): Likely benign. Review status: criteria provided, multiple submitters, no conflicts (2 of 4 stars). 2 submissions from 2 submitters: Likely benign (2). Last evaluated 2026-01-18.

Allele frequency attached by ClinVar (database versions not stated): ExAC 0.00003; gnomAD exomes 0.00003 and 0.00009; TOPMed 0.00006; gnomAD 0.00007 and 0.00008.
gnomAD v4.1: 151 of 1,613,908 alleles (0.0094%); highest among the groups gnomAD compares: Non-Finnish European, 0.012%; no homozygotes.

Submissions (2):

Labcorp Genetics (formerly Invitae), Labcorp
Classification: Likely benign. Last evaluated: 2026-01-18. Review status: criteria provided, single submitter. Criteria: Invitae Variant Classification Sherloc (09022015). Collection method: clinical testing. Allele origin: germline.

Mayo Clinic Laboratories, Mayo Clinic
Classification: Likely benign. Last evaluated: 2025-11-06. Review status: criteria provided, single submitter. Criteria: ACMG Guidelines, 2015. Collection method: clinical testing. Allele origin: germline. Observed: 1 variant allele.
Comment: BP4, BP7

NM_000094.4(COL7A1):c.4047+10G>T

Gene: COL7A1 (collagen type VII alpha 1 chain; minus strand). Cytogenetic location: 3p21.31.
Variant type: single nucleotide variant.
Coding change: c.4047+10G>T on transcript NM_000094.4 (MANE Select); 10 bases into the intron after coding-DNA position 4047, G replaced by T.
Molecular consequence: intron variant.
Genome position (GRCh38, 1-based): chr3:48,584,724, C>A on the plus strand (G>T on the coding strand, the complement: COL7A1 is on the minus strand). VCF-style: chr3-48584724-C-A. GRCh37 (hg19) VCF-style: chr3-48622157-C-A.
Other names: p.?; c.4047+10G>T (NM_000094.3).
Identifiers: ClinVar variation 1109573 (VCV001109573.8), dbSNP rs201581816, ClinGen allele CA2380258.